The following is an entry in ClinVar:

ClinVar aggregate classification (germline): Uncertain significance (1 of 4 stars; one submission).

Conditions:
Pitt-Hopkins-like syndrome 2 (PTHSL2). Identifiers: Orphanet 221150, Orphanet 600663, MedGen C3280479, MONDO:0013690, OMIM 614325.

gnomAD v4.1: 1 of 1,606,846 alleles (0.000062%); no homozygotes.

Submission:

Labcorp Genetics (formerly Invitae), Labcorp
Classification: Uncertain significance for Pitt-Hopkins-like syndrome 2. Last evaluated: 2019-01-26. Review status: criteria provided, single submitter. Criteria: Invitae Variant Classification Sherloc (09022015). Collection method: clinical testing. Allele origin: germline.
Comment: In summary, the available evidence is currently insufficient to determine the role of this variant in disease. Therefore, it has been classified as a Variant of Uncertain Significance. Algorithms developed to predict the effect of missense changes on protein structure and function are either unavailable or do not agree on the potential impact of this missense change (SIFT: "Deleterious"; PolyPhen-2: "Benign"; Align-GVGD: "Class C0"). This variant has not been reported in the literature in individuals with NRXN1-related conditions. This variant is not present in population databases (ExAC no frequency). This sequence change replaces threonine with isoleucine at codon 1417 of the NRXN1 protein (p.Thr1417Ile). The threonine residue is highly conserved and there is a moderate physicochemical difference between threonine and isoleucine.

NM_001330078.2(NRXN1):c.4130C>T (p.Thr1377Ile)

Gene: NRXN1 (neurexin 1; minus strand). Cytogenetic location: 2p16.3.
Variant type: single nucleotide variant.
Coding change: c.4130C>T on transcript NM_001330078.2 (MANE Select); coding-DNA position 4130, C replaced by T.
Protein change: p.Thr1377Ile; replaces threonine 1377 with isoleucine.
Molecular consequence: missense variant.
Genome position (GRCh38, 1-based): chr2:49,943,790, G>A on the plus strand (C>T on the coding strand, the complement: NRXN1 is on the minus strand). VCF-style: chr2-49943790-G-A. GRCh37 (hg19) VCF-style: chr2-50170928-G-A.
Other names: c.4250C>T, p.Thr1417Ile (NM_001135659.3); c.35C>T, p.Thr12Ile (NM_001320156.4, NM_001320157.4); c.4106C>T, p.Thr1369Ile (NM_001330077.2, NM_001330082.2); c.3974C>T, p.Thr1325Ile (NM_001330083.2); c.4064C>T, p.Thr1355Ile (NM_001330084.2); c.4103C>T, p.Thr1368Ile (NM_001330085.2); c.4130C>T, p.Thr1377Ile (NM_001330086.2); c.3929C>T, p.Thr1310Ile (NM_001330087.2, NM_001330096.2); and 7 more; short protein forms T1325I, T1347I, T1376I, T1417I, T1310I, T1320I, T1330I, T1368I.
Identifiers: ClinVar variation 862752 (VCV000862752.9), dbSNP rs747424290, ClinGen allele CA346818127.